The following is an entry in ClinVar:

ClinVar aggregate classification (germline): Uncertain significance. Review status: criteria provided, multiple submitters, no conflicts (2 of 4 stars). 3 submissions from 3 submitters: Uncertain significance (3). Last evaluated 2025-08-01.

Conditions:
Familial temporal lobe epilepsy 7. Identifiers: Orphanet 101046, MedGen C4225327, MONDO:0014639, OMIM 616436.
Norman-Roberts syndrome (LIS2). Also called: Lissencephaly 2 (Norman-Roberts type). Identifiers: Orphanet 89844, MedGen C0796089, MONDO:0009760, OMIM 257320.
Inborn genetic diseases. Identifiers: MedGen C0950123, MeSH D030342.

Allele frequency attached by ClinVar (database versions not stated): gnomAD 0.00001; TOPMed 0.00001.
gnomAD v4.1: 1 of 1,613,692 alleles (0.000062%); highest among the groups gnomAD compares: Admixed American, 0.0017%; no homozygotes.

Submissions (3):

Labcorp Genetics (formerly Invitae), Labcorp
Classification: Uncertain significance for Familial temporal lobe epilepsy 7; Norman-Roberts syndrome. Last evaluated: 2025-08-01. Review status: criteria provided, single submitter. Criteria: Invitae Variant Classification Sherloc (09022015). Collection method: clinical testing. Allele origin: germline.
Comment: This sequence change replaces phenylalanine, which is neutral and non-polar, with leucine, which is neutral and non-polar, at codon 1269 of the RELN protein (p.Phe1269Leu). This variant is not present in population databases (gnomAD no frequency). This variant has not been reported in the literature in individuals affected with RELN-related conditions. ClinVar contains an entry for this variant (Variation ID: 196026). Invitae Evidence Modeling of protein sequence and biophysical properties (such as structural, functional, and spatial information, amino acid conservation, physicochemical variation, residue mobility, and thermodynamic stability) indicates that this missense variant is not expected to disrupt RELN protein function with a negative predictive value of 80%. In summary, the available evidence is currently insufficient to determine the role of this variant in disease. Therefore, it has been classified as a Variant of Uncertain Significance.

Ambry Genetics
Classification: Uncertain significance for Inborn genetic diseases. Last evaluated: 2023-12-14. Review status: criteria provided, single submitter. Criteria: Ambry Variant Classification Scheme 2023. Collection method: clinical testing. Allele origin: germline.

Eurofins Ntd Llc (ga)
Classification: Uncertain significance. Last evaluated: 2014-06-30. Review status: criteria provided, single submitter. Criteria: EGL Classification Definitions 2015. Collection method: clinical testing. Allele origin: germline. Observed: 1 variant allele, 1 heterozygote.

NM_005045.4(RELN):c.3805T>C (p.Phe1269Leu)

Gene: RELN (reelin; minus strand). Cytogenetic location: 7q22.1.
Variant type: single nucleotide variant.
Coding change: c.3805T>C on transcript NM_005045.4 (MANE Select); coding-DNA position 3805, T replaced by C.
Protein change: p.Phe1269Leu; replaces phenylalanine 1269 with leucine.
Molecular consequence: missense variant.
Genome position (GRCh38, 1-based): chr7:103,593,789, A>G on the plus strand (T>C on the coding strand, the complement: RELN is on the minus strand). VCF-style: chr7-103593789-A-G. GRCh37 (hg19) VCF-style: chr7-103234236-A-G.
Other names: c.3805T>C (NM_005045.3); c.3805T>C, p.Phe1269Leu (NM_173054.3); short protein forms F1269L.
Identifiers: ClinVar variation 196026 (VCV000196026.10), dbSNP rs794727441, ClinGen allele CA242777.